The following is an entry in ClinVar:

ClinVar aggregate classification (germline): Pathogenic. Review status: criteria provided, single submitter (1 of 4 stars). 2 submissions from 2 submitters: Pathogenic (1). 1 of the submissions does not count toward it. Last evaluated 2024-06-07.

Conditions:
Mucopolysaccharidosis, MPS-II (MPS2). Also called: IDS deficiency; Sulfoiduronate sulfatase deficiency; SIDS deficiency; Mucopolysaccharidosis type 2; Mucopolysaccharidosis Type II; Attenuated MPS (subtype; formerly known as mild MPS II). Identifiers: Orphanet 580, Orphanet 79388, MedGen C0026705, MONDO:0010674, OMIM 309900.

Submissions (2):

Laboratory of Diagnosis and Therapy of Lysosomal Disorders, University of Padova
Classification: Pathogenic for Mucopolysaccharidosis, MPS-II. Last evaluated: 2024-06-07. Review status: criteria provided, single submitter. Criteria: ACMG Guidelines, 2015. Collection method: literature only. Allele origin: germline. Affected: yes. Observed: 1 variant allele.
Comment: Null variant (PVS1_Strong), Absent from controls (or at low frequency) in gnomAD database (PM2_Moderate), Patient’s phenotype or family history highly specific for the disease (PP4_Strong)

Classification method: ACMG Guidelines [PMID:25741868] with modifications

Laboratory of Inherited Metabolic Diseases, Research centre for medical genetics
Classification: Pathogenic for Mucopolysaccharidosis, type II; MPS2. Review status: no assertion criteria provided. Collection method: research. Allele origin: germline. Affected: yes. Not counted in ClinVar's aggregate classification.

Literature cited by the submitters: PubMed 33676511 (cited by Laboratory of Diagnosis and Therapy of Lysosomal Disorders, University of Padova).

NM_000202.8(IDS):c.1129del (p.Leu377fs)

Genes: IDS (iduronate 2-sulfatase; minus strand), LOC106050102 (IDS recombination region; plus strand). Cytogenetic location: Xq28.
Variant type: Deletion.
Coding change: c.1129del on transcript NM_000202.8 (MANE Select); coding-DNA position 1129, one base deleted (C; older notation c.1129delC).
Protein change: p.Leu377fs; shifts the reading frame from leucine 377.
Molecular consequence: frameshift variant.
Genome position (GRCh38, 1-based): chrX:149,486,976, G deleted on the plus strand (C on the coding strand, the reverse complement: IDS is on the minus strand). VCF-style (leftmost placement, unchanged base first): chrX-149486975-AG-A. GRCh37 (hg19) VCF-style: chrX-148568506-AG-A.
Other names: c.859del, p.Leu287fs (NM_001166550.4); short protein forms L287fs, L377fs.
Identifiers: ClinVar variation 988691 (VCV000988691.3), dbSNP rs2089341718, ClinGen allele CA2465005562.